The following is an entry in ClinVar:

ClinVar aggregate classification (germline): Uncertain significance (1 of 4 stars; one submission).

Conditions:
ALMS1-related disorder. Also called: ALMS1-related condition.

Submission:

PreventionGenetics, part of Exact Sciences
Classification: Uncertain significance for ALMS1-related condition. Last evaluated: 2025-10-29. Review status: criteria provided, single submitter. Criteria: ACMG Guidelines, 2015. Collection method: clinical testing. Allele origin: germline.
Comment: The ALMS1 c.3158A>T variant is predicted to result in the amino acid substitution p.Glu1053Val. To our knowledge, this variant has not been reported in the literature or in a large population database (gnomAD), indicating this variant is rare. At this time, the clinical significance of this variant is uncertain due to the absence of conclusive functional and genetic evidence.

NM_001378454.1(ALMS1):c.3155A>T (p.Gln1052Leu)

Gene: ALMS1 (ALMS1 centrosome and basal body associated protein; plus strand). Cytogenetic location: 2p13.1.
Variant type: single nucleotide variant.
Coding change: c.3155A>T on transcript NM_001378454.1 (MANE Select); coding-DNA position 3155, A replaced by T.
Protein change: p.Gln1052Leu; replaces glutamine 1052 with leucine.
Molecular consequence: missense variant.
Genome position (GRCh38, 1-based): chr2:73,449,682, A>T. VCF-style: chr2-73449682-A-T. GRCh37 (hg19) VCF-style: chr2-73676809-A-T.
Other names: c.3158A>T, p.Gln1053Leu (NM_015120.4); short protein forms Q1053L, Q1052L.
Identifiers: ClinVar variation 4993217 (VCV004993217.1).